The following is an entry in ClinVar:

NM_000059.4(BRCA2):c.9422del (p.Gly3141fs)

Gene: BRCA2 (BRCA2 DNA repair associated; plus strand). Cytogenetic location: 13q13.1.
Variant type: Deletion.
Coding change: c.9422del on transcript NM_000059.4 (MANE Select); coding-DNA position 9422, one base deleted (G; older notation c.9422delG).
Protein change: p.Gly3141fs; shifts the reading frame from glycine 3141.
Molecular consequence: frameshift variant. On other transcripts: non-coding transcript variant (1).
Genome position (GRCh38, 1-based): chr13:32,394,854, G deleted; the last of 2 consecutive G bases (chr13:32,394,853-32,394,854); deleting either gives the same sequence. VCF-style (leftmost placement, unchanged base first): chr13-32394852-TG-T. GRCh37 (hg19) VCF-style: chr13-32968989-TG-T.
Other names: c.9422delG (NM_000059.4); c.9326del, p.Gly3109fs (NM_001406719.1); c.9371del, p.Gly3124fs (NM_001406720.1); c.4490del, p.Gly1497fs (NM_001406721.1); c.3005del, p.Gly1002fs (NM_001406722.1); short protein forms G1002fs, G1497fs, G3109fs, G3124fs, G3141fs.
Identifiers: ClinVar variation 2682628 (VCV002682628.4), dbSNP rs2548562386, ClinGen allele CA2697551701.

ClinVar aggregate classification (germline): Pathogenic. Review status: criteria provided, multiple submitters, no conflicts (2 of 4 stars). 2 submissions from 2 submitters: Pathogenic (2). Last evaluated 2023-11-20.

Conditions:
Hereditary breast ovarian cancer syndrome. Also called: Hereditary breast and ovarian cancer syndrome; Hereditary breast and ovarian cancer syndrome (HBOC); BRCA1- and BRCA2-Associated Hereditary Breast and Ovarian Cancer; Hereditary breast and ovarian cancer; Breast and ovarian cancer; Hereditary breast and/or ovarian cancer syndrome. Identifiers: Orphanet 145, MedGen C0677776, MeSH D061325, MONDO:0003582. Disease mechanism: loss of function.

Submissions (2):

Women's Health and Genetics/Laboratory Corporation of America, LabCorp
Classification: Pathogenic for Hereditary breast ovarian cancer syndrome. Last evaluated: 2023-11-20. Review status: criteria provided, single submitter. Criteria: LabCorp Variant Classification Summary - May 2015. Collection method: clinical testing. Allele origin: germline.
Comment: Variant summary: BRCA2 c.9422delG (p.Gly3141GlufsX22) results in a premature termination codon, predicted to cause a truncation of the encoded protein or absence of the protein due to nonsense mediated decay, which are commonly known mechanisms for disease. The variant was absent in 251360 control chromosomes. To our knowledge, no occurrence of c.9422delG in individuals affected with Hereditary Breast And Ovarian Cancer Syndrome and no experimental evidence demonstrating its impact on protein function have been reported. No submitters have cited clinical-significance assessments for this variant to ClinVar after 2014. Based on the evidence outlined above, the variant was classified as pathogenic.

Labcorp Genetics (formerly Invitae), Labcorp
Classification: Pathogenic for Hereditary breast ovarian cancer syndrome. Last evaluated: 2023-08-07. Review status: criteria provided, single submitter. Criteria: Invitae Variant Classification Sherloc (09022015). Collection method: clinical testing. Allele origin: germline.
Comment: This variant is not present in population databases (gnomAD no frequency). This variant has not been reported in the literature in individuals affected with BRCA2-related conditions. For these reasons, this variant has been classified as Pathogenic. This sequence change creates a premature translational stop signal (p.Gly3141Glufs*22) in the BRCA2 gene. It is expected to result in an absent or disrupted protein product. Loss-of-function variants in BRCA2 are known to be pathogenic (PMID: 20104584).

Literature cited by the submitters: PubMed 20104584 (cited by Labcorp Genetics (formerly Invitae), Labcorp).